The following is an entry in ClinVar:

ClinVar aggregate classification (germline): Conflicting classifications of pathogenicity. Review status: criteria provided, conflicting classifications (1 of 4 stars). 2 submissions from 2 submitters: Uncertain significance (1); Likely benign (1). Last evaluated 2025-04-08.

Allele frequency attached by ClinVar (database versions not stated): gnomAD 0.00001; TOPMed 0.00002; gnomAD exomes 0.00004.
gnomAD v4.1: 53 of 1,551,154 alleles (0.0034%); highest among the groups gnomAD compares: Non-Finnish European, 0.0046%; no homozygotes.

Submissions (2):

Labcorp Genetics (formerly Invitae), Labcorp
Classification: Likely benign. Last evaluated: 2025-04-08. Review status: criteria provided, single submitter. Criteria: Invitae Variant Classification Sherloc (09022015). Collection method: clinical testing. Allele origin: germline.

CeGaT Center for Human Genetics Tuebingen
Classification: Uncertain significance. Last evaluated: 2023-04-01. Review status: criteria provided, single submitter. Criteria: CeGaT Center For Human Genetics Tuebingen Variant Classification Criteria Version 2. Collection method: clinical testing. Allele origin: germline. Affected: yes. Observed: 1 variant allele.
Comment: CACNA1E: PM2:Supporting

NM_001205293.3(CACNA1E):c.2425A>G (p.Asn809Asp)

Gene: CACNA1E (calcium voltage-gated channel subunit alpha1 E; plus strand). Cytogenetic location: 1q25.3.
Variant type: single nucleotide variant.
Coding change: c.2425A>G on transcript NM_001205293.3 (MANE Select); coding-DNA position 2425, A replaced by G.
Protein change: p.Asn809Asp; replaces asparagine 809 with aspartic acid.
Molecular consequence: missense variant.
Genome position (GRCh38, 1-based): chr1:181,732,511, A>G. VCF-style: chr1-181732511-A-G. GRCh37 (hg19) VCF-style: chr1-181701647-A-G.
Other names: c.2425A>G, p.Asn809Asp (NM_000721.4); c.2368A>G, p.Asn790Asp (NM_001205294.2); short protein forms N790D, N809D.
Identifiers: ClinVar variation 1913942 (VCV001913942.29), dbSNP rs958027601, ClinGen allele CA33815660.
Genomic context (GRCh38, chr1:181,732,511, plus strand): 5'-ATGCAGATGTCCAGCCAGGAGGCCCTCAACAGAGAGGAGGCGCCGACCATGAACCCGCTC[A>G]ACCCCCTCAACCCGCTCAGCTCCCTCAACCCGCTCAATGCCCACCCCAGCCTTTATCGGC-3'
Protein context (NP_001192222.1, residues 799-819): REEAPTMNPL[Asn809Asp]PLNPLSSLNP